The following is an entry in ClinVar:

ClinVar aggregate classification (germline): Conflicting classifications of pathogenicity. Review status: criteria provided, conflicting classifications (1 of 4 stars). 3 submissions from 3 submitters: Uncertain significance (2); Likely benign (1). Last evaluated 2025-12-30.

Conditions:
Cardiovascular phenotype. Identifiers: MedGen CN230736.
TTN-related disorder. Also called: TTN-related condition; TTN-related disease; TTN-related disorders.

Submissions (3):

PreventionGenetics, part of Exact Sciences
Classification: Uncertain significance for TTN-related condition. Last evaluated: 2025-12-30. Review status: criteria provided, single submitter. Criteria: ACMG Guidelines, 2015. Collection method: clinical testing. Allele origin: germline.
Comment: The TTN c.98930_98932delATG variant is predicted to result in an in-frame deletion (p.Asp32977del). To our knowledge, this variant has not been reported in the literature. This variant is reported in 0.048% of alleles in individuals of European (Finnish) descent in gnomAD. At this time, the clinical significance of this variant is uncertain due to the absence of conclusive functional and genetic evidence.

Blueprint Genetics
Classification: Likely benign. Last evaluated: 2024-06-27. Review status: criteria provided, single submitter. Criteria: ACMG Guidelines, 2015. Collection method: clinical testing. Allele origin: germline.

Ambry Genetics
Classification: Uncertain significance for Cardiovascular phenotype. Last evaluated: 2016-07-18. Review status: criteria provided, single submitter. Criteria: Ambry Variant Classification Scheme 2023. Collection method: clinical testing. Allele origin: germline.
Comment: The c.71735_71737delATG variant (also known as p.D23912del) is located in coding exon 180 of the TTN gene, and in the A-band region of the N2-B isoform of the titin protein. This variant results from an in-frame deletion of 3 nucleotides at positions 71735 to 71737, causing the removal of a not well conserved aspartic acid residue at codon 23912. This variant was not reported in population based cohorts in the following databases: Database of Single Nucleotide Polymorphisms (dbSNP), NHLBI Exome Sequencing Project (ESP), and 1000 Genomes Project. In the ESP, this variant was not observed in 6293 samples (12586 alleles) with coverage at this position. Since supporting evidence is limited at this time, the clinical significance of this variant remains unclear.

NM_001267550.2(TTN):c.98927ATG[1] (p.Asp32977del)

Genes: TTN (titin; minus strand), TTN-AS1 (TTN antisense RNA 1; plus strand). Cytogenetic location: 2q31.2.
Variant type: Microsatellite.
Coding change: c.98927ATG[1] on transcript NM_001267550.2 (MANE Select); one copy of the 3-base unit ATG starting at c.98927; the reference has two copies in a row; one copy, 3 bases deleted.
Protein change: p.Asp32977del; deletes aspartic acid 32977.
Molecular consequence: inframe deletion. On other transcripts: non-coding transcript variant (1).
Genome position (GRCh38, 1-based): chr2:178,539,003-178,539,005, CAT deleted on the plus strand (ATG on the coding strand, the reverse complement: TTN is on the minus strand); deleting any 3 consecutive bases within chr2:178,539,003-178,539,008 gives the same sequence; the position shown is the placement nearest the transcript's 3' end. VCF-style (leftmost placement, unchanged base first): chr2-178539002-ACAT-A. GRCh37 (hg19) VCF-style: chr2-179403729-ACAT-A.
Other names: c.98930_98932delATG (NM_001267550.2); c.71735_71737delATG (NM_003319.4); c.94004ATG[1], p.Asp31336del (NM_001256850.1); c.71732ATG[1], p.Asp23912del (NM_003319.4); c.91223ATG[1], p.Asp30409del (NM_133378.4); c.72107ATG[1], p.Asp24037del (NM_133432.3); c.72308ATG[1], p.Asp24104del (NM_133437.4); short protein forms D23912del, D32977del, D24037del, D30409del, D31336del, D24104del.
Identifiers: ClinVar variation 518932 (VCV000518932.7), dbSNP rs748211870, ClinGen allele CA1986288.